The following is an entry in ClinVar:

ClinVar aggregate classification (germline): Uncertain significance (1 of 4 stars; one submission).

Submission:

Labcorp Genetics (formerly Invitae), Labcorp
Classification: Uncertain significance. Last evaluated: 2022-01-15. Review status: criteria provided, single submitter. Criteria: Invitae Variant Classification Sherloc (09022015). Collection method: clinical testing. Allele origin: germline.
Comment: This variant is not present in population databases (gnomAD no frequency). This variant has not been reported in the literature in individuals affected with LRP5-related conditions. ClinVar contains an entry for this variant (Variation ID: 1038494). Advanced modeling of protein sequence and biophysical properties (such as structural, functional, and spatial information, amino acid conservation, physicochemical variation, residue mobility, and thermodynamic stability) performed at Invitae indicates that this missense variant is not expected to disrupt LRP5 protein function. In summary, the available evidence is currently insufficient to determine the role of this variant in disease. Therefore, it has been classified as a Variant of Uncertain Significance. This sequence change replaces proline, which is neutral and non-polar, with leucine, which is neutral and non-polar, at codon 1447 of the LRP5 protein (p.Pro1447Leu).

NM_002335.4(LRP5):c.4340C>T (p.Pro1447Leu)

Gene: LRP5 (LDL receptor related protein 5; plus strand). Cytogenetic location: 11q13.2.
Variant type: single nucleotide variant.
Coding change: c.4340C>T on transcript NM_002335.4 (MANE Select); coding-DNA position 4340, C replaced by T.
Protein change: p.Pro1447Leu; replaces proline 1447 with leucine.
Molecular consequence: missense variant.
Genome position (GRCh38, 1-based): chr11:68,438,674, C>T. VCF-style: chr11-68438674-C-T. GRCh37 (hg19) VCF-style: chr11-68206142-C-T.
Other names: c.2597C>T, p.Pro866Leu (NM_001291902.2); short protein forms P1447L, P866L.
Identifiers: ClinVar variation 1038494 (VCV001038494.8), dbSNP rs746960230, ClinGen allele CA381615361.
Genomic context (GRCh38, chr11:68,438,674, plus strand): 5'-TCAGCGGGACCCCGCACGTGCCCCTCAATTTCATAGCCCCGGGCGGTTCCCAGCATGGCC[C>T]CTTCACAGGTAAGGAGCCTGAGATATGGAATGATCTGGAGGAGGCAGGAGAGTAGTCTGG-3'
Protein context (NP_002326.2, residues 1437-1457): FIAPGGSQHG[Pro1447Leu]FTGIACGKSM